The following is an entry in ClinVar:

NM_032119.4(ADGRV1):c.16449C>T (p.Phe5483=)

Gene: ADGRV1 (adhesion G protein-coupled receptor V1; plus strand). Cytogenetic location: 5q14.3.
Variant type: single nucleotide variant.
Coding change: c.16449C>T on transcript NM_032119.4 (MANE Select); coding-DNA position 16449, C replaced by T.
Protein change: p.Phe5483=; no amino-acid change (phenylalanine 5483 retained).
Molecular consequence: synonymous variant. On other transcripts: non-coding transcript variant (1).
Genome position (GRCh38, 1-based): chr5:90,829,024, C>T. VCF-style: chr5-90829024-C-T. GRCh37 (hg19) VCF-style: chr5-90124841-C-T.
Identifiers: ClinVar variation 1603675 (VCV001603675.32), dbSNP rs371911273, ClinGen allele CA3342160.

ClinVar aggregate classification (germline): Likely benign. Review status: criteria provided, multiple submitters, no conflicts (2 of 4 stars). 2 submissions from 2 submitters: Likely benign (2). Last evaluated 2025-12-02.

Allele frequency attached by ClinVar (database versions not stated): gnomAD exomes 0.00002 and 0.00004; ExAC 0.00003; gnomAD 0.00006 and 0.00007; ESP Exome Variant Server 0.00008; TOPMed 0.00010.
gnomAD v4.1: 49 of 1,611,824 alleles (0.003%); highest among the groups gnomAD compares: African/African-American, 0.02%; no homozygotes.

Submissions (2):

Labcorp Genetics (formerly Invitae), Labcorp
Classification: Likely benign. Last evaluated: 2025-12-02. Review status: criteria provided, single submitter. Criteria: Invitae Variant Classification Sherloc (09022015). Collection method: clinical testing. Allele origin: germline.

CeGaT Center for Human Genetics Tuebingen
Classification: Likely benign. Last evaluated: 2022-04-01. Review status: criteria provided, single submitter. Criteria: CeGaT Center For Human Genetics Tuebingen Variant Classification Criteria Version 2. Collection method: clinical testing. Allele origin: germline. Affected: yes. Observed: 1 variant allele.
Comment: ADGRV1: BP4, BP7